The following is an entry in ClinVar:

ClinVar aggregate classification (germline): Conflicting classifications of pathogenicity. Review status: criteria provided, conflicting classifications (1 of 4 stars). 8 submissions from 8 submitters: Uncertain significance (1); Benign (1); Likely benign (6). Last evaluated 2025-12-23.

Conditions:
Tuberous sclerosis syndrome (TSC). Also called: Tuberous Sclerosis Complex; Tuberous sclerosis. Identifiers: Orphanet 805, MedGen C0041341, MONDO:0001734.
Hereditary cancer-predisposing syndrome. Also called: Neoplastic Syndromes, Hereditary; Hereditary neoplastic syndrome; Hereditary Cancer Syndrome; Tumor predisposition. Identifiers: Orphanet 140162, MedGen C0027672, MeSH D009386, MONDO:0015356.
Tuberous sclerosis 2 (TSC2). Identifiers: Orphanet 805, MedGen C1860707, MONDO:0013199, OMIM 613254.

Allele frequency attached by ClinVar (database versions not stated): gnomAD 0.00001; gnomAD exomes 0.00001 and 0.00004; ExAC 0.00002; TOPMed 0.00002; ESP Exome Variant Server 0.00008.
gnomAD v4.1: 52 of 1,591,386 alleles (0.0033%); highest among the groups gnomAD compares: Non-Finnish European, 0.0042%; no homozygotes.

Submissions (8):

Labcorp Genetics (formerly Invitae), Labcorp
Classification: Likely benign for Tuberous sclerosis 2. Last evaluated: 2025-12-23. Review status: criteria provided, single submitter. Criteria: Invitae Variant Classification Sherloc (09022015). Collection method: clinical testing. Allele origin: germline.

Myriad Genetics, Inc.
Classification: Benign for Tuberous sclerosis 2. Last evaluated: 2025-05-12. Review status: criteria provided, single submitter. Criteria: Myriad Autosomal Dominant, Autosomal Recessive and X-Linked Classification Criteria (2023). Collection method: clinical testing. Allele origin: unknown.
Comment: This variant is considered benign. This variant is a silent/synonymous amino acid change and it is not expected to impact splicing.

All of Us Research Program, National Institutes of Health
Classification: Likely benign for Tuberous sclerosis syndrome. Last evaluated: 2023-12-13. Review status: criteria provided, single submitter. Criteria: ACMG Guidelines, 2015. Collection method: clinical testing. Allele origin: germline. Inheritance: Autosomal dominant inheritance. Observed: 2 variant alleles, 2 heterozygotes.
Comment: This study involves interpretation of variants in research participants for the purpose of population health screening. Participant phenotype was not available at the time of variant classification. Additional details can be found in publication PMID: 35346344, PMCID: PMC8962531

Blueprint Genetics
Classification: Likely benign. Last evaluated: 2023-05-04. Review status: criteria provided, single submitter. Criteria: ACMG Guidelines, 2015. Collection method: clinical testing. Allele origin: germline.

Color Diagnostics, LLC DBA Color Health
Classification: Likely benign for Tuberous sclerosis syndrome. Last evaluated: 2022-09-14. Review status: criteria provided, single submitter. Criteria: ACMG Guidelines, 2015. Collection method: clinical testing. Allele origin: germline.

Genome-Nilou Lab
Classification: Likely benign for Tuberous sclerosis 2. Last evaluated: 2021-11-07. Review status: criteria provided, single submitter. Criteria: ACMG Guidelines, 2015. Collection method: clinical testing. Allele origin: germline. Affected: no.

Ambry Genetics
Classification: Likely benign for Hereditary cancer-predisposing syndrome. Last evaluated: 2018-04-23. Review status: criteria provided, single submitter. Criteria: Ambry Variant Classification Scheme 2023. Collection method: clinical testing. Allele origin: germline.

Illumina Laboratory Services, Illumina
Classification: Uncertain significance for Tuberous sclerosis syndrome. Last evaluated: 2018-01-13. Review status: criteria provided, single submitter. Criteria: ICSL Variant Classification Criteria 13 December 2019. Collection method: clinical testing. Allele origin: germline.

NM_000548.5(TSC2):c.879A>G (p.Arg293=)

Gene: TSC2 (TSC complex subunit 2; plus strand). Cytogenetic location: 16p13.3.
Variant type: single nucleotide variant.
Coding change: c.879A>G on transcript NM_000548.5 (MANE Select); coding-DNA position 879, A replaced by G.
Protein change: p.Arg293=; no amino-acid change (arginine 293 retained).
Molecular consequence: synonymous variant.
Genome position (GRCh38, 1-based): chr16:2,058,777, A>G. VCF-style: chr16-2058777-A-G. GRCh37 (hg19) VCF-style: chr16-2108778-A-G.
Other names: c.879A>G, p.Arg293= (NM_001077183.3, NM_001114382.3, NM_001363528.2 and 3 more transcripts); c.768A>G, p.Arg256= (NM_001318827.2); c.732A>G, p.Arg244= (NM_001318829.2); c.279A>G, p.Arg93= (NM_001318831.2); c.912A>G, p.Arg304= (NM_001318832.2).
Identifiers: ClinVar variation 701704 (VCV000701704.22), dbSNP rs369222477, ClinGen allele CA056641.